The following is an entry in ClinVar:

ClinVar aggregate classification (germline): Benign/Likely benign. Review status: criteria provided, multiple submitters, no conflicts (2 of 4 stars). 11 submissions from 11 submitters: Benign (5); Likely benign (3). 3 of the submissions do not count toward it. Last evaluated 2026-02-02.

Conditions:
Cardiomyopathy (CMYO). Also called: Cardiomyopathies. Identifiers: Orphanet 167848, MedGen C0878544, MONDO:0004994, HP:0001638. Inheritance: Various modes of inheritance.
Arrhythmogenic right ventricular dysplasia 10. Also called: Arrhythmogenic Right Ventricular Dysplasia/Cardiomyopathy10; ARRHYTHMOGENIC RIGHT VENTRICULAR DYSPLASIA, FAMILIAL, 10; Arrhythmogenic right ventricular dysplasia/cardiomyopathy, type 10. Identifiers: MedGen C1857777, MONDO:0012434, OMIM 610193.

Allele frequency attached by ClinVar (database versions not stated): gnomAD exomes 0.00015 and 0.00040; ExAC 0.00048; 1000 Genomes Project 30x 0.00078; 1000 Genomes Project 0.00080; ESP Exome Variant Server 0.00133; gnomAD 0.00159 and 0.00173; TOPMed 0.00184.
gnomAD v4.1: 469 of 1,612,624 alleles (0.029%); highest among the groups gnomAD compares: African/African-American, 0.55%; 2 homozygotes.

Submissions (11):

Labcorp Genetics (formerly Invitae), Labcorp
Classification: Benign for Arrhythmogenic right ventricular dysplasia 10. Last evaluated: 2026-02-02. Review status: criteria provided, single submitter. Criteria: Invitae Variant Classification Sherloc (09022015). Collection method: clinical testing. Allele origin: germline.

Blueprint Genetics
Classification: Likely benign. Last evaluated: 2024-09-23. Review status: criteria provided, single submitter. Criteria: ACMG Guidelines, 2015. Collection method: clinical testing. Allele origin: germline.

Women's Health and Genetics/Laboratory Corporation of America, LabCorp
Classification: Benign. Last evaluated: 2021-05-10. Review status: criteria provided, single submitter. Criteria: LabCorp Variant Classification Summary - May 2015. Collection method: clinical testing. Allele origin: germline.
Comment: Variant summary: DSG2 c.1652-12C>T alters a non-conserved nucleotide located close to a canonical splice site and therefore could affect mRNA splicing, leading to a significantly altered protein sequence. 4/4 computational tools predict no significant impact on normal splicing. However, these predictions have yet to be confirmed by functional studies. The variant allele was found at a frequency of 0.0004 in 248862 control chromosomes, predominantly at a frequency of 0.0052 within the African or African-American subpopulation in the gnomAD database, including 1 homozygotes. The observed variant frequency within African or African-American control individuals in the gnomAD database is approximately 21 fold of the estimated maximal expected allele frequency for a pathogenic variant in DSG2 causing Arrhythmogenic Right Ventricular Dysplasia/Cardiomyopathy phenotype (0.00025), strongly suggesting that the variant is a benign polymorphism found primarily in populations of African or African-American origin. To our knowledge, no occurrence of c.1652-12C>T in individuals affected with Arrhythmogenic Right Ventricular Dysplasia/Cardiomyopathy and no experimental evidence demonstrating its impact on protein function have been reported. Two clinical diagnostic laboratories have submitted clinical-significance assessments for this variant to ClinVar after 2014 without evidence for independent evaluation. Both laboratories classified the variant as benign. Based on the evidence outlined above, the variant was classified as benign.

Color Diagnostics, LLC DBA Color Health
Classification: Benign for Cardiomyopathy. Last evaluated: 2018-11-14. Review status: criteria provided, single submitter. Criteria: ACMG Guidelines, 2015. Collection method: clinical testing. Allele origin: germline.

Illumina Laboratory Services, Illumina
Classification: Benign for Arrhythmogenic right ventricular dysplasia 10. Last evaluated: 2017-05-16. Review status: criteria provided, single submitter. Criteria: ICSL Variant Classification Criteria 13 December 2019. Collection method: clinical testing. Allele origin: germline.
Comment: This variant was observed as part of a predisposition screen in an ostensibly healthy population. A literature search was performed for the gene, cDNA change, and amino acid change (where applicable). No publications were found based on this search. Allele frequency data from public databases was too high to be consistent with this variant causing disease. Therefore, this variant is classified as benign.

GeneDx
Classification: Benign. Last evaluated: 2014-05-29. Review status: criteria provided, single submitter. Criteria: GeneDx Variant Classification (06012015). Collection method: clinical testing. Allele origin: germline. Affected: yes.
Comment: This variant is considered likely benign or benign based on one or more of the following criteria: it is a conservative change, it occurs at a poorly conserved position in the protein, it is predicted to be benign by multiple in silico algorithms, and/or has population frequency not consistent with disease.

Laboratory for Molecular Medicine, Mass General Brigham Personalized Medicine
Classification: Likely benign. Last evaluated: 2012-04-25. Review status: criteria provided, single submitter. Criteria: LMM Criteria. Collection method: clinical testing. Allele origin: germline. Observed: 8 variant alleles.
Comment: 1652-12C>T in Intron 11 of DSG2: This variant is not expected to have clinical s ignificance because it has been identified in 0.4% (13/3106) of African American chromosomes from a broad population by the NHLBI Exome Sequencing Project (dbSNP rs140850369). 1652-12C>T in intron 11 of DS G2 (rs140850369, allele frequency = 0.4%, 13/3106)

Breakthrough Genomics
Classification: Likely benign. Review status: criteria provided, single submitter. Criteria: ACMG Guidelines, 2015. Collection method: not provided. Allele origin: germline. Inheritance: Autosomal recessive inheritance. Affected: yes.

Clinical Genetics, Academic Medical Center
Classification: Benign. Review status: no assertion criteria provided. Collection method: clinical testing. Allele origin: germline. Affected: yes. Study: VKGL Data-share Consensus. Not counted in ClinVar's aggregate classification.

Diagnostic Laboratory, Department of Genetics, University Medical Center Groningen
Classification: Likely benign. Review status: no assertion criteria provided. Collection method: clinical testing. Allele origin: germline. Affected: yes. Study: VKGL Data-share Consensus. Not counted in ClinVar's aggregate classification.

Genome Diagnostics Laboratory, University Medical Center Utrecht
Classification: Likely benign. Review status: no assertion criteria provided. Collection method: clinical testing. Allele origin: germline. Affected: yes. Study: VKGL Data-share Consensus. Not counted in ClinVar's aggregate classification.

NM_001943.5(DSG2):c.1652-12C>T

Gene: DSG2 (desmoglein 2; plus strand). Cytogenetic location: 18q12.1.
Variant type: single nucleotide variant.
Coding change: c.1652-12C>T on transcript NM_001943.5 (MANE Select); 12 bases into the intron before coding-DNA position 1652, C replaced by T.
Molecular consequence: intron variant.
Genome position (GRCh38, 1-based): chr18:31,538,739, C>T. VCF-style: chr18-31538739-C-T. GRCh37 (hg19) VCF-style: chr18-29118702-C-T.
Identifiers: ClinVar variation 44284 (VCV000044284.25), dbSNP rs140850369, ClinGen allele CA021516.